The following is an entry in ClinVar:

ClinVar aggregate classification (germline): Uncertain significance (1 of 4 stars; one submission).

Allele frequency attached by ClinVar (database versions not stated): TOPMed 0.00001.

Submission:

Labcorp Genetics (formerly Invitae), Labcorp
Classification: Uncertain significance. Last evaluated: 2024-01-16. Review status: criteria provided, single submitter. Criteria: Invitae Variant Classification Sherloc (09022015). Collection method: clinical testing. Allele origin: germline.
Comment: This sequence change replaces proline, which is neutral and non-polar, with serine, which is neutral and polar, at codon 2443 of the SRCAP protein (p.Pro2443Ser). This variant is not present in population databases (gnomAD no frequency). This variant has not been reported in the literature in individuals affected with SRCAP-related conditions. Advanced modeling of protein sequence and biophysical properties (such as structural, functional, and spatial information, amino acid conservation, physicochemical variation, residue mobility, and thermodynamic stability) performed at Invitae indicates that this missense variant is not expected to disrupt SRCAP protein function with a negative predictive value of 80%. In summary, the available evidence is currently insufficient to determine the role of this variant in disease. Therefore, it has been classified as a Variant of Uncertain Significance.

NM_006662.3(SRCAP):c.7327C>T (p.Pro2443Ser)

Gene: SRCAP (Snf2 related CREBBP activator protein; plus strand). Cytogenetic location: 16p11.2.
Variant type: single nucleotide variant.
Coding change: c.7327C>T on transcript NM_006662.3 (MANE Select); coding-DNA position 7327, C replaced by T.
Protein change: p.Pro2443Ser; replaces proline 2443 with serine.
Molecular consequence: missense variant.
Genome position (GRCh38, 1-based): chr16:30,737,367, C>T. VCF-style: chr16-30737367-C-T. GRCh37 (hg19) VCF-style: chr16-30748688-C-T.
Other names: short protein forms P2443S.
Identifiers: ClinVar variation 2777492 (VCV002777492.3), dbSNP rs1178463138, ClinGen allele CA395632577.
Genomic context (GRCh38, chr16:30,737,367, plus strand): 5'-ACCACCACACCACCCCGCTGCAGTCCTGCCAGGGAGCGAGTTCCCAGGCCAGCACCTAGG[C>T]CTCGACCCACTCCAGCTTCAGCTCCGGCTGCAATTCCTGCCCTTGTTCCTGTCCCAGTTT-3'
Protein context (NP_006653.2, residues 2433-2453): RERVPRPAPR[Pro2443Ser]RPTPASAPAA